The following is an entry in ClinVar:

NM_138694.4(PKHD1):c.5751+1G>A

Gene: PKHD1 (PKHD1 ciliary IPT domain containing fibrocystin/polyductin; minus strand). Cytogenetic location: 6p12.2.
Variant type: single nucleotide variant.
Coding change: c.5751+1G>A on transcript NM_138694.4 (MANE Select); the canonical splice donor site of the intron after coding-DNA position 5751, G replaced by A.
Molecular consequence: splice donor variant.
Genome position (GRCh38, 1-based): chr6:52,010,308, C>T on the plus strand (G>A on the coding strand, the complement: PKHD1 is on the minus strand). VCF-style: chr6-52010308-C-T. GRCh37 (hg19) VCF-style: chr6-51875106-C-T.
Other names: c.5751+1G>A (NM_170724.3).
Identifiers: ClinVar variation 565501 (VCV000565501.15), dbSNP rs775638588, ClinGen allele CA138929931.

ClinVar aggregate classification (germline): Pathogenic/Likely pathogenic. Review status: criteria provided, multiple submitters, no conflicts (2 of 4 stars). 7 submissions from 7 submitters: Pathogenic (5); Likely pathogenic (2). Last evaluated 2026-09-16.

Conditions:
PKHD1-related disorder. Also called: PKHD1-related condition.
Autosomal recessive polycystic kidney disease (ARPKD). Also called: AR polycystic kidney disease. Identifiers: Orphanet 731, Orphanet 8378, MedGen C0085548, MeSH D017044, MONDO:0009889.
Polycystic kidney disease 4 (PKD4). Also called: POLYCYSTIC KIDNEY DISEASE 4 WITH OR WITHOUT POLYCYSTIC LIVER DISEASE; Autosomal Recessive Polycystic Kidney Disease – PKHD1; PKD3; POLYCYSTIC KIDNEY AND HEPATIC DISEASE 1; POLYCYSTIC KIDNEY DISEASE, INFANTILE, TYPE I. Identifiers: MedGen C4540575, MONDO:0033004, OMIM 263200.

Allele frequency attached by ClinVar (database versions not stated): gnomAD exomes below 0.00001; TOPMed 0.00001.
gnomAD v4.1: 2 of 1,613,234 alleles (0.00012%); highest among the groups gnomAD compares: Admixed American, 0.0033%; no homozygotes.

Submissions (7):

PreventionGenetics, part of Exact Sciences
Classification: Pathogenic for PKHD1-related condition. Last evaluated: 2026-09-16. Review status: criteria provided, single submitter. Criteria: ACMG Guidelines, 2015. Collection method: clinical testing. Allele origin: germline.
Comment: The PKHD1 c.5751+1G>A variant is predicted to disrupt the GT donor site and interfere with normal splicing. This variant was reported in the homozygous state in a fetus with polycystic kidney disease (Daum et al. 2018. PubMed ID: 29947050). This variant is reported in 0.0029% of alleles in individuals of Latino descent in gnomAD. Variants that disrupt the consensus splice donor site in PKHD1 are expected to be pathogenic. This variant is interpreted as pathogenic.

Labcorp Genetics (formerly Invitae), Labcorp
Classification: Likely pathogenic for Autosomal recessive polycystic kidney disease. Last evaluated: 2025-12-31. Review status: criteria provided, single submitter. Criteria: Invitae Variant Classification Sherloc (09022015). Collection method: clinical testing. Allele origin: germline.
Comment: This sequence change affects a donor splice site in intron 35 of the PKHD1 gene. It is expected to disrupt RNA splicing. Variants that disrupt the donor or acceptor splice site typically lead to a loss of protein function (PMID: 16199547), and loss-of-function variants in PKHD1 are known to be pathogenic (PMID: 19940839). This variant is present in population databases (rs775638588, gnomAD 0.003%). Disruption of this splice site has been observed in individual(s) with clinical features of polycystic kidney disease (PMID: 29947050). ClinVar contains an entry for this variant (Variation ID: 565501). Algorithms developed to predict the effect of sequence changes on RNA splicing suggest that this variant may disrupt the consensus splice site. In summary, the currently available evidence indicates that the variant is pathogenic, but additional data are needed to prove that conclusively. Therefore, this variant has been classified as Likely Pathogenic.

Natera, Inc.
Classification: Pathogenic for Autosomal recessive polycystic kidney disease. Last evaluated: 2025-11-13. Review status: criteria provided, single submitter. Criteria: Natera Variant Classification Schema (03/2026). Collection method: clinical testing. Allele origin: germline.
Comment: The c.5751+1G>A variant in PKHD1 is a canonical splice donor site variant predicted to affect pre-mRNA splicing, which may result in an abnormal transcript and altered protein product. This variant is expected to result in nonsense mediated decay, truncation, or a dysfunctional protein product. This variant is rare in the general population with a frequency below the threshold expected for the associated phenotype(s). This variant has been observed in one or more individuals affected with the associated recessive disease, as either homozygous or compound heterozygous with a second variant (PMID: 29947050). Given the available evidence, this variant is classified as Pathogenic.

3billion
Classification: Pathogenic for Polycystic kidney disease 4. Last evaluated: 2025-04-19. Review status: criteria provided, single submitter. Criteria: ACMG Guidelines, 2015. Collection method: clinical testing. Allele origin: germline. Affected: yes.

Baylor Genetics
Classification: Likely pathogenic for Polycystic kidney disease 4. Last evaluated: 2024-01-30. Review status: criteria provided, single submitter. Criteria: ACMG Guidelines, 2015. Collection method: clinical testing. Allele origin: unknown.

GeneDx
Classification: Pathogenic. Last evaluated: 2023-03-26. Review status: criteria provided, single submitter. Criteria: GeneDx Variant Classification Process June 2021. Collection method: clinical testing. Allele origin: germline. Affected: yes.
Comment: Not observed at significant frequency in large population cohorts (gnomAD); Canonical splice site variant predicted to result in a null allele in a gene for which loss of function is a known mechanism of disease; This variant is associated with the following publications: (PMID: 29947050)

Fulgent Genetics
Classification: Pathogenic for Polycystic kidney disease 4. Last evaluated: 2022-02-27. Review status: criteria provided, single submitter. Criteria: ACMG Guidelines, 2015. Collection method: clinical testing. Allele origin: unknown.

Literature cited by the submitters: PubMed 16199547 (cited by Labcorp Genetics (formerly Invitae), Labcorp); PubMed 19940839 (cited by Labcorp Genetics (formerly Invitae), Labcorp); PubMed 29947050 (cited by 3 submitters).